The following is an entry in ClinVar:

ClinVar aggregate classification (germline): Pathogenic (1 of 4 stars; one submission).

Submission:

Labcorp Genetics (formerly Invitae), Labcorp
Classification: Pathogenic. Last evaluated: 2023-05-18. Review status: criteria provided, single submitter. Criteria: Invitae Variant Classification Sherloc (09022015). Collection method: clinical testing. Allele origin: germline.
Comment: For these reasons, this variant has been classified as Pathogenic. This variant has not been reported in the literature in individuals affected with ANO6-related conditions. This variant is not present in population databases (gnomAD no frequency). This sequence change creates a premature translational stop signal (p.Tyr99*) in the ANO6 gene. It is expected to result in an absent or disrupted protein product. Loss-of-function variants in ANO6 are known to be pathogenic (PMID: 21107324, 21511967, 27879994).

Literature cited by the submitters: PubMed 21107324; PubMed 21511967; PubMed 27879994.

NM_001025356.3(ANO6):c.297C>G (p.Tyr99Ter)

Gene: ANO6 (anoctamin 6; plus strand). Cytogenetic location: 12q12.
Variant type: single nucleotide variant.
Coding change: c.297C>G on transcript NM_001025356.3 (MANE Select); coding-DNA position 297, C replaced by G.
Protein change: p.Tyr99Ter; replaces tyrosine 99 with a stop codon.
Molecular consequence: nonsense.
Genome position (GRCh38, 1-based): chr12:45,347,039, C>G. VCF-style: chr12-45347039-C-G. GRCh37 (hg19) VCF-style: chr12-45740822-C-G.
Other names: c.243C>G, p.Tyr81Ter (NM_001142678.2); c.297C>G, p.Tyr99Ter (NM_001142679.2); c.360C>G, p.Tyr120Ter (NM_001204803.2); c.264C>G, p.Tyr88Ter (NM_001410973.1); short protein forms Y88*, Y120*, Y81*, Y99*.
Identifiers: ClinVar variation 2865427 (VCV002865427.3), dbSNP rs144406887, ClinGen allele CA384463573.